The following is an entry in ClinVar:

ClinVar aggregate classification (germline): Pathogenic (1 of 4 stars; one submission).

Conditions:
Neuromuscular disease caused by qualitative or quantitative defects of dystrophin. Also called: Qualitative or quantitative defects of dystrophin. Identifiers: Orphanet 207085, MedGen C5679787, MONDO:0016147.

Submission:

Women's Health and Genetics/Laboratory Corporation of America, LabCorp
Classification: Pathogenic for Neuromuscular disease caused by qualitative or quantitative defects of dystrophin. Last evaluated: 2021-02-12. Review status: criteria provided, single submitter. Criteria: LabCorp Variant Classification Summary - May 2015. Collection method: clinical testing. Allele origin: germline.
Comment: Variant summary: The variant identified by MLPA or other technology involves the deletion of exons 3-4 in the DMD gene. A presumed nomenclature of c.(93+1_94-1)_(264+1_265-1)del has been designated for the purposes of this classification. Although exact breakpoints of this deletion are not known, it is expected to result in a large in-frame deletion change in the DMD gene, a known mechanism of disease. The variant was absent in 16005 control chromosomes (gnomAD SV database). c.(93+1_94-1)_(264+1_265-1)del has been reported in the literature in individuals affected with Dystrophinopathies (e.g. Kaspar_2009). These data indicate that the variant is associated with disease. One other clinical diagnostic laboratory has submitted clinical-significance assessments for a variant resulting in deletion of same exons to ClinVar after 2014 without evidence for independent evaluation and cited the variant as pathogenic. Based on the evidence outlined above, the variant was classified as pathogenic.

Literature cited by the submitters: PubMed 20031633.

NC_000023.10:g.(32841505_32862899)_(32867938_33038255)del

Gene: DMD (dystrophin; minus strand). Cytogenetic location: Xp21.1.
Variant type: Deletion.
Identifiers: ClinVar variation 997903 (VCV000997903.1).